The following is an entry in ClinVar:

ClinVar aggregate classification (germline): Uncertain significance (1 of 4 stars; one submission).

Conditions:
Ehlers-Danlos syndrome, kyphoscoliotic type, 2. Also called: Ehlers-Danlos syndrome, kyphoscoliotic and deafness type; FKBP14-Kyphoscoliotic Ehlers-Danlos Syndrome; Ehlers-Danlos syndrome with progressive kyphoscoliosis, myopathy, and hearing loss. Identifiers: Orphanet 300179, MedGen C3281160, MONDO:0013800, OMIM 614557.

Allele frequency attached by ClinVar (database versions not stated): gnomAD exomes below 0.00001.
gnomAD v4.1: 1 of 1,611,464 alleles (0.000062%); highest among the groups gnomAD compares: Non-Finnish European, 0.000085%; no homozygotes.

Submission:

Labcorp Genetics (formerly Invitae), Labcorp
Classification: Uncertain significance for Ehlers-Danlos syndrome, kyphoscoliotic type, 2. Last evaluated: 2023-11-13. Review status: criteria provided, single submitter. Criteria: Invitae Variant Classification Sherloc (09022015). Collection method: clinical testing. Allele origin: germline.
Comment: This sequence change replaces asparagine, which is neutral and polar, with serine, which is neutral and polar, at codon 176 of the FKBP14 protein (p.Asn176Ser). This variant is not present in population databases (gnomAD no frequency). This variant has not been reported in the literature in individuals affected with FKBP14-related conditions. ClinVar contains an entry for this variant (Variation ID: 1489941). An algorithm developed to predict the effect of missense changes on protein structure and function (PolyPhen-2) suggests that this variant is likely to be disruptive. Algorithms developed to predict the effect of sequence changes on RNA splicing suggest that this variant may create or strengthen a splice site. In summary, the available evidence is currently insufficient to determine the role of this variant in disease. Therefore, it has been classified as a Variant of Uncertain Significance.

NM_017946.4(FKBP14):c.527A>G (p.Asn176Ser)

Genes: FKBP14 (FKBP prolyl isomerase 14; minus strand), FKBP14-AS1 (FKBP14 antisense RNA 1; plus strand). Cytogenetic location: 7p14.3.
Variant type: single nucleotide variant.
Coding change: c.527A>G on transcript NM_017946.4 (MANE Select); coding-DNA position 527, A replaced by G.
Protein change: p.Asn176Ser; replaces asparagine 176 with serine.
Molecular consequence: missense variant. On other transcripts: non-coding transcript variant (2).
Genome position (GRCh38, 1-based): chr7:30,014,844, T>C on the plus strand (A>G on the coding strand, the complement: FKBP14 is on the minus strand). VCF-style: chr7-30014844-T-C. GRCh37 (hg19) VCF-style: chr7-30054460-T-C.
Other names: short protein forms N176S.
Identifiers: ClinVar variation 1489941 (VCV001489941.6), dbSNP rs2127946652, ClinGen allele CA367116362.